The following is an entry in ClinVar:

ClinVar aggregate classification (germline): Uncertain significance (1 of 4 stars; one submission).

Conditions:
Inborn genetic diseases. Identifiers: MedGen C0950123, MeSH D030342.

Submission:

Ambry Genetics
Classification: Uncertain significance for Inborn genetic diseases. Last evaluated: 2026-08-26. Review status: criteria provided, single submitter. Criteria: Ambry Variant Classification Scheme 2023. Collection method: clinical testing. Allele origin: germline.
Comment: The p.Q263L variant (also known as c.788A>T), located in coding exon 5 of the MECOM gene, results from an A to T substitution at nucleotide position 788. The glutamine at codon 263 is replaced by leucine, an amino acid with dissimilar properties. This amino acid position is conserved. In addition, this alteration is predicted to be tolerated by in silico analysis. Based on the available evidence, the clinical significance of this variant remains unclear.

NM_004991.4(MECOM):c.788A>T (p.Gln263Leu)

Gene: MECOM (MDS1 and EVI1 complex locus; minus strand). Cytogenetic location: 3q26.2.
Variant type: single nucleotide variant.
Coding change: c.788A>T on transcript NM_004991.4 (MANE Select); coding-DNA position 788, A replaced by T.
Protein change: p.Gln263Leu; replaces glutamine 263 with leucine.
Molecular consequence: missense variant.
Genome position (GRCh38, 1-based): chr3:169,127,886, T>A on the plus strand (A>T on the coding strand, the complement: MECOM is on the minus strand). VCF-style: chr3-169127886-T-A. GRCh37 (hg19) VCF-style: chr3-168845674-T-A.
Other names: c.224A>T, p.Gln75Leu (NM_001164000.2, NM_001205194.2, NM_001366467.2 and 9 more transcripts); c.788A>T, p.Gln263Leu (NM_001366466.2, NM_001366473.2); c.416A>T, p.Gln139Leu (NM_001105077.4); short protein forms Q263L, Q75L, Q139L.
Identifiers: ClinVar variation 5024194 (VCV005024194.1).